The following is an entry in ClinVar:

NM_080680.3(COL11A2):c.1119C>G (p.Ala373=)

Gene: COL11A2 (collagen type XI alpha 2 chain; minus strand). Cytogenetic location: 6p21.32.
Variant type: single nucleotide variant.
Coding change: c.1119C>G on transcript NM_080680.3 (MANE Select); coding-DNA position 1119, C replaced by G.
Protein change: p.Ala373=; no amino-acid change (alanine 373 retained).
Molecular consequence: synonymous variant. On other transcripts: intron variant (2).
Genome position (GRCh38, 1-based): chr6:33,184,145, G>C on the plus strand (C>G on the coding strand, the complement: COL11A2 is on the minus strand). VCF-style: chr6-33184145-G-C. GRCh37 (hg19) VCF-style: chr6-33151922-G-C.
Other names: c.798+2482C>G (NM_080679.3); c.861+847C>G (NM_080681.3).
Identifiers: ClinVar variation 2008477 (VCV002008477.4), dbSNP rs753417704, ClinGen allele CA2580074454.
Genomic context (GRCh38, chr6:33,184,145, plus strand): 5'-AAGCAATTCTTGTAGCTCCCACTGGTAGTCAAGAATGAAAGAGAAGCTCCTTTCACTTAC[G>C]GCTCCTGAGTGGGCTGTCTCCGCAGAGAGGGCAGGGCCAAGCTCTGTCTCCTCACGATAA-3'
Protein context (NP_542411.2, residues 363-383): ALSAETAHSG[Ala373=]AAHGPRGLKG

ClinVar aggregate classification (germline): Uncertain significance (1 of 4 stars; one submission).

Submission:

Labcorp Genetics (formerly Invitae), Labcorp
Classification: Uncertain significance. Last evaluated: 2024-02-24. Review status: criteria provided, single submitter. Criteria: Invitae Variant Classification Sherloc (09022015). Collection method: clinical testing. Allele origin: germline.
Comment: This sequence change affects codon 373 of the COL11A2 mRNA. It is a 'silent' change, meaning that it does not change the encoded amino acid sequence of the COL11A2 protein. It affects a nucleotide within the consensus splice site. This variant is not present in population databases (gnomAD no frequency). This variant has not been reported in the literature in individuals affected with COL11A2-related conditions. ClinVar contains an entry for this variant (Variation ID: 2008477). Algorithms developed to predict the effect of sequence changes on RNA splicing suggest that this variant is not likely to affect RNA splicing. In summary, the available evidence is currently insufficient to determine the role of this variant in disease. Therefore, it has been classified as a Variant of Uncertain Significance.